The following is an entry in ClinVar:

ClinVar aggregate classification (germline): Uncertain significance. Review status: criteria provided, multiple submitters, no conflicts (2 of 4 stars). 3 submissions from 3 submitters: Uncertain significance (3). Last evaluated 2025-02-22.

Conditions:
Cardiovascular phenotype. Identifiers: MedGen CN230736.
RASopathy. Also called: rasopathies; Noonan spectrum disorder. Identifiers: Orphanet 536391, MedGen C5555857, MONDO:0021060.

Allele frequency attached by ClinVar (database versions not stated): gnomAD exomes below 0.00001 and 0.00001; ExAC 0.00002.
gnomAD v4.1: 5 of 1,614,156 alleles (0.00031%); highest among the groups gnomAD compares: South Asian, 0.0011%; no homozygotes.

Submissions (3):

Ambry Genetics
Classification: Uncertain significance for Cardiovascular phenotype. Last evaluated: 2025-02-22. Review status: criteria provided, single submitter. Criteria: Ambry Variant Classification Scheme 2023. Collection method: clinical testing. Allele origin: germline.
Comment: The p.N635S variant (also known as c.1904A>G), located in coding exon 16 of the RAF1 gene, results from an A to G substitution at nucleotide position 1904. The asparagine at codon 635 is replaced by serine, an amino acid with highly similar properties. This amino acid position is conserved. In addition, this alteration is predicted to be tolerated by in silico analysis. Based on the available evidence, the clinical significance of this variant remains unclear.

Labcorp Genetics (formerly Invitae), Labcorp
Classification: Uncertain significance for RASopathy. Last evaluated: 2024-01-13. Review status: criteria provided, single submitter. Criteria: Invitae Variant Classification Sherloc (09022015). Collection method: clinical testing. Allele origin: germline.
Comment: This sequence change replaces asparagine, which is neutral and polar, with serine, which is neutral and polar, at codon 635 of the RAF1 protein (p.Asn635Ser). This variant is present in population databases (rs772585174, gnomAD 0.004%). This variant has not been reported in the literature in individuals affected with RAF1-related conditions. ClinVar contains an entry for this variant (Variation ID: 577199). Advanced modeling of protein sequence and biophysical properties (such as structural, functional, and spatial information, amino acid conservation, physicochemical variation, residue mobility, and thermodynamic stability) performed at Invitae indicates that this missense variant is not expected to disrupt RAF1 protein function with a negative predictive value of 95%. In summary, the available evidence is currently insufficient to determine the role of this variant in disease. Therefore, it has been classified as a Variant of Uncertain Significance.

GeneDx
Classification: Uncertain significance. Last evaluated: 2020-06-23. Review status: criteria provided, single submitter. Criteria: GeneDx Variant Classification Process June 2021. Collection method: clinical testing. Allele origin: germline. Affected: yes.
Comment: Has not been previously published as pathogenic or benign to our knowledge; Reported in ClinVar as a variant of uncertain significance (ClinVar Variant ID# 577199; Landrum et al., 2016); In silico analysis supports that this missense variant does not alter protein structure/function; Missense variants in this gene are commonly considered pathogenic (Stenson et al., 2014)

NM_002880.4(RAF1):c.1904A>G (p.Asn635Ser)

Gene: RAF1 (Raf-1 proto-oncogene, serine/threonine kinase; minus strand). Cytogenetic location: 3p25.2.
Variant type: single nucleotide variant.
Coding change: c.1904A>G on transcript NM_002880.4 (MANE Select); coding-DNA position 1904, A replaced by G.
Protein change: p.Asn635Ser; replaces asparagine 635 with serine.
Molecular consequence: missense variant. On other transcripts: non-coding transcript variant (3).
Genome position (GRCh38, 1-based): chr3:12,584,557, T>C on the plus strand (A>G on the coding strand, the complement: RAF1 is on the minus strand). VCF-style: chr3-12584557-T-C. GRCh37 (hg19) VCF-style: chr3-12626056-T-C.
Other names: c.1805A>G, p.Asn602Ser (NM_001354693.3); c.1721A>G, p.Asn574Ser (NM_001354694.3); c.1562A>G, p.Asn521Ser (NM_001354695.3); c.1964A>G, p.Asn655Ser (NM_001354689.3); c.1904A>G, p.Asn635Ser (NM_001354690.3); c.1661A>G, p.Asn554Ser (NM_001354691.3, NM_001354692.3); short protein forms N635S, N655S, N554S, N521S, N574S, N602S.
Identifiers: ClinVar variation 577199 (VCV000577199.12), dbSNP rs772585174, ClinGen allele CA2259373.